The following is an entry in ClinVar:

ClinVar aggregate classification (germline): Uncertain significance. Review status: criteria provided, multiple submitters, no conflicts (2 of 4 stars). 2 submissions from 2 submitters: Uncertain significance (2). Last evaluated 2025-01-06.

Conditions:
Inborn genetic diseases. Identifiers: MedGen C0950123, MeSH D030342.

Allele frequency attached by ClinVar (database versions not stated): gnomAD 0.00006; gnomAD exomes 0.00006; ExAC 0.00012.

Submissions (2):

Labcorp Genetics (formerly Invitae), Labcorp
Classification: Uncertain significance. Last evaluated: 2025-01-06. Review status: criteria provided, single submitter. Criteria: Invitae Variant Classification Sherloc (09022015). Collection method: clinical testing. Allele origin: germline.
Comment: This sequence change replaces isoleucine, which is neutral and non-polar, with valine, which is neutral and non-polar, at codon 239 of the POLR1C protein (p.Ile239Val). This variant is present in population databases (rs780289892, gnomAD 0.06%). This variant has not been reported in the literature in individuals affected with POLR1C-related conditions. ClinVar contains an entry for this variant (Variation ID: 1950076). Invitae Evidence Modeling of protein sequence and biophysical properties (such as structural, functional, and spatial information, amino acid conservation, physicochemical variation, residue mobility, and thermodynamic stability) indicates that this missense variant is not expected to disrupt POLR1C protein function with a negative predictive value of 80%. In summary, the available evidence is currently insufficient to determine the role of this variant in disease. Therefore, it has been classified as a Variant of Uncertain Significance.

Ambry Genetics
Classification: Uncertain significance for Inborn genetic diseases. Last evaluated: 2022-08-12. Review status: criteria provided, single submitter. Criteria: Ambry Variant Classification Scheme 2023. Collection method: clinical testing. Allele origin: germline.

NM_203290.4(POLR1C):c.715A>G (p.Ile239Val)

Gene: POLR1C (RNA polymerase I and III subunit C; plus strand). Cytogenetic location: 6p21.1.
Variant type: single nucleotide variant.
Coding change: c.715A>G on transcript NM_203290.4 (MANE Select); coding-DNA position 715, A replaced by G.
Protein change: p.Ile239Val; replaces isoleucine 239 with valine.
Molecular consequence: missense variant.
Genome position (GRCh38, 1-based): chr6:43,520,684, A>G. VCF-style: chr6-43520684-A-G. GRCh37 (hg19) VCF-style: chr6-43488422-A-G.
Other names: c.715A>G, p.Ile239Val (NM_001318876.2, NM_001363658.2); short protein forms I239V.
Identifiers: ClinVar variation 1950076 (VCV001950076.6), dbSNP rs780289892, ClinGen allele CA3825550.